The following is an entry in ClinVar:

NM_019066.5(MAGEL2):c.3539A>T (p.Tyr1180Phe)

Gene: MAGEL2 (MAGE family member L2; minus strand). Cytogenetic location: 15q11.2.
Variant type: single nucleotide variant.
Coding change: c.3539A>T on transcript NM_019066.5 (MANE Select); coding-DNA position 3539, A replaced by T.
Protein change: p.Tyr1180Phe; replaces tyrosine 1180 with phenylalanine.
Molecular consequence: missense variant.
Genome position (GRCh38, 1-based): chr15:23,644,204, T>A on the plus strand (A>T on the coding strand, the complement: MAGEL2 is on the minus strand). VCF-style: chr15-23644204-T-A. GRCh37 (hg19) VCF-style: chr15-23889351-T-A.
Other names: short protein forms Y1180F.
Identifiers: ClinVar variation 3368926 (VCV003368926.2).

ClinVar aggregate classification (germline): Uncertain significance. Review status: criteria provided, multiple submitters, no conflicts (2 of 4 stars). 2 submissions from 2 submitters: Uncertain significance (2). Last evaluated 2025-11-18.

Conditions:
MAGEL2-related disorder. Also called: MAGEL2-related condition.

Submissions (2):

PreventionGenetics, part of Exact Sciences
Classification: Uncertain significance for MAGEL2-related condition. Last evaluated: 2025-11-18. Review status: criteria provided, single submitter. Criteria: ACMG Guidelines, 2015. Collection method: clinical testing. Allele origin: germline.
Comment: The MAGEL2 c.3539A>T variant is predicted to result in the amino acid substitution p.Tyr1180Phe. To our knowledge, this variant has not been reported in the literature or in a large population database (gnomAD), indicating this variant is rare. At this time, the clinical significance of this variant is uncertain due to the absence of conclusive functional and genetic evidence.

GeneDx
Classification: Uncertain significance. Last evaluated: 2024-02-08. Review status: criteria provided, single submitter. Criteria: GeneDx Variant Classification Process June 2021. Collection method: clinical testing. Allele origin: germline. Affected: yes.
Comment: Not observed at significant frequency in large population cohorts (gnomAD); In silico analysis supports that this missense variant has a deleterious effect on protein structure/function; Has not been previously published as pathogenic or benign to our knowledge